The following is an entry in ClinVar:

NM_170707.4(LMNA):c.694G>C (p.Gly232Arg)

Gene: LMNA (lamin A/C; plus strand). Cytogenetic location: 1q22.
Variant type: single nucleotide variant.
Coding change: c.694G>C on transcript NM_170707.4 (MANE Select); coding-DNA position 694, G replaced by C.
Protein change: p.Gly232Arg; replaces glycine 232 with arginine.
Molecular consequence: missense variant.
Genome position (GRCh38, 1-based): chr1:156,134,859, G>C. VCF-style: chr1-156134859-G-C. GRCh37 (hg19) VCF-style: chr1-156104650-G-C.
Other names: c.358G>C, p.Gly120Arg (NM_001257374.3); c.451G>C, p.Gly151Arg (NM_001282624.2); c.694G>C, p.Gly232Arg (NM_001282625.2, NM_001282626.2, NM_005572.4 and 1 more transcripts); short protein forms G232R, G120R, G151R.
Identifiers: ClinVar variation 66924 (VCV000066924.14), dbSNP rs267607609, ClinGen allele CA018465.
Genomic context (GRCh38, chr1:156,134,859, plus strand): 5'-TTCCAGGAGCTGCGTGAGACCAAGCGCCGTCATGAGACCCGACTGGTGGAGATTGACAAT[G>C]GGAAGCAGCGTGAGTTTGAGAGCCGGCTGGCGGATGCGCTGCAGGAACTGCGGGCCCAGC-3'
Protein context (NP_733821.1, residues 222-242): HETRLVEIDN[Gly232Arg]KQREFESRLA

ClinVar aggregate classification (germline): Pathogenic. Review status: criteria provided, single submitter (1 of 4 stars). 2 submissions from 2 submitters: Pathogenic (1). 1 of the submissions does not count toward it. Last evaluated 2025-10-02.

Conditions:
Charcot-Marie-Tooth disease type 2B1 (CMT2B1). Also called: CHARCOT-MARIE-TOOTH DISEASE, NEURONAL, TYPE 2B1; Charcot-Marie-Tooth Neuropathy Type 2B1; Charcot-marie-tooth disease, axonal, type 2b1. Identifiers: Orphanet 98856, MedGen C1854154, MONDO:0011569, OMIM 605588.
Primary dilated cardiomyopathy (DCM). Also called: Dilated Cardiomyopathy. Identifiers: Orphanet 217604, MedGen C0007193, MeSH D002311, MONDO:0005021, HP:0001644. Inheritance: Various modes of inheritance.
Emery-Dreifuss muscular dystrophy 2, autosomal dominant (EDMD2). Also called: SCAPULOILIOPERONEAL ATROPHY WITH CARDIOPATHY; Limb-girdle muscular dystrophy, type 1B; Muscular dystrophy, proximal, type 1B; Benign scapuloperoneal muscular dystrophy with cardiomyopathy; LMNA-Related Emery-Dreifuss Muscular Dystrophy, Autosomal; HAUPTMANN-THANNHAUSER MUSCULAR DYSTROPHY. Identifiers: Orphanet 261, Orphanet 264, MedGen C0410190, MONDO:0021569, OMIM 181350.
Congenital muscular dystrophy due to LMNA mutation. Also called: Congenital muscular dystrophy, LMNA-related; Lamin A-related Congenital Muscular Dystrophy. Identifiers: Orphanet 157973, MedGen C2750785, MONDO:0013178, OMIM 613205.
Emery-Dreifuss muscular dystrophy 3, autosomal recessive (EDMD3). Identifiers: Orphanet 261, Orphanet 98855, MedGen C2750035, MONDO:0014676, OMIM 616516.
Familial partial lipodystrophy, Dunnigan type. Also called: Partial lipodystrophy, Dunnigan; LIPODYSTROPHY, FAMILIAL, OF LIMBS AND LOWER TRUNK; LIPODYSTROPHY, REVERSE PARTIAL. Identifiers: Orphanet 2348, MedGen C1720860, MONDO:0007906, OMIM 151660.
Hutchinson-Gilford syndrome (HGPS). Also called: Hutchinson-Gilford Progeria Syndrome. Identifiers: Orphanet 740, MedGen C0033300, MONDO:0008310, OMIM 176670.
Charcot-Marie-Tooth disease type 2. Also called: Charcot-Marie-Tooth type 2. Identifiers: Orphanet 64746, MedGen C0270914, MONDO:0018993.

Submissions (2):

Labcorp Genetics (formerly Invitae), Labcorp
Classification: Pathogenic for Charcot-Marie-Tooth disease type 2. Last evaluated: 2025-10-02. Review status: criteria provided, single submitter. Criteria: Invitae Variant Classification Sherloc (09022015). Collection method: clinical testing. Allele origin: germline.
Comment: This sequence change replaces glycine, which is neutral and non-polar, with arginine, which is basic and polar, at codon 232 of the LMNA protein (p.Gly232Arg). This variant is not present in population databases (gnomAD no frequency). This missense change has been observed in individuals with Emery-Dreifuss muscular dystrophy (PMID: 18564364; internal data). ClinVar contains an entry for this variant (Variation ID: 66924). Invitae Evidence Modeling of protein sequence and biophysical properties (such as structural, functional, and spatial information, amino acid conservation, physicochemical variation, residue mobility, and thermodynamic stability) indicates that this missense variant is expected to disrupt LMNA protein function with a positive predictive value of 95%. This variant disrupts the p.Gly232 amino acid residue in LMNA. Other variant(s) that disrupt this residue have been determined to be pathogenic (PMID: 10939567, 16772334, 23077635, 25982065, 29676528, 29753763, 29893365). This suggests that this residue is clinically significant, and that variants that disrupt this residue are likely to be disease-causing. For these reasons, this variant has been classified as Pathogenic.

Epithelial Biology;  Institute of Medical Biology, Singapore
No classification provided. Review status: no classification provided. Collection method: not provided. Allele origin: not provided. Not counted in ClinVar's aggregate classification.

Literature cited by the submitters: PubMed 18564364 (cited by Labcorp Genetics (formerly Invitae), Labcorp); PubMed 10939567 (cited by Labcorp Genetics (formerly Invitae), Labcorp); PubMed 16772334 (cited by Labcorp Genetics (formerly Invitae), Labcorp); PubMed 23077635 (cited by Labcorp Genetics (formerly Invitae), Labcorp); PubMed 25982065 (cited by Labcorp Genetics (formerly Invitae), Labcorp); PubMed 29676528 (cited by Labcorp Genetics (formerly Invitae), Labcorp); PubMed 29753763 (cited by Labcorp Genetics (formerly Invitae), Labcorp); PubMed 29893365 (cited by Labcorp Genetics (formerly Invitae), Labcorp).